The following is an entry in ClinVar:

ClinVar aggregate classification (germline): Pathogenic (1 of 4 stars; one submission).

Conditions:
Retinitis pigmentosa 12 (RP12). Also called: RP WITH OR WITHOUT PPRPE; RP WITH OR WITHOUT PRESERVED PARAARTERIOLE RETINAL PIGMENT EPITHELIUM; RETINITIS PIGMENTOSA WITH OR WITHOUT PARAARTERIOLAR PRESERVATION OF RETINAL PIGMENT EPITHELIUM. Identifiers: Orphanet 791, MedGen C1838647, MONDO:0010818, OMIM 600105.
Leber congenital amaurosis 8 (LCA8). Identifiers: Orphanet 65, MedGen C3151202, MONDO:0013453, OMIM 613835.

Submission:

Labcorp Genetics (formerly Invitae), Labcorp
Classification: Pathogenic for Leber congenital amaurosis 8; Retinitis pigmentosa 12. Last evaluated: 2022-06-18. Review status: criteria provided, single submitter. Criteria: Invitae Variant Classification Sherloc (09022015). Collection method: clinical testing. Allele origin: germline.
Comment: For these reasons, this variant has been classified as Pathogenic. This variant has not been reported in the literature in individuals affected with CRB1-related conditions. This variant is not present in population databases (gnomAD no frequency). This sequence change creates a premature translational stop signal (p.Thr1048Valfs*27) in the CRB1 gene. It is expected to result in an absent or disrupted protein product. Loss-of-function variants in CRB1 are known to be pathogenic (PMID: 10508521, 22065545, 23379534, 25412400, 26957898, 28041643, 29391521).

Literature cited by the submitters: PubMed 10508521; PubMed 22065545; PubMed 23379534; PubMed 25412400; PubMed 26957898; PubMed 28041643; PubMed 29391521.

NM_201253.3(CRB1):c.3142_3149del (p.Thr1048fs)

Gene: CRB1 (crumbs cell polarity complex component 1; plus strand). Cytogenetic location: 1q31.3.
Variant type: Deletion.
Coding change: c.3142_3149del on transcript NM_201253.3 (MANE Select); coding-DNA positions 3142 to 3149, 8 bases deleted (ACCTCCAG; older notation c.3142_3149delACCTCCAG).
Protein change: p.Thr1048fs; shifts the reading frame from threonine 1048.
Molecular consequence: frameshift variant. On other transcripts: non-coding transcript variant (2), intron variant (1).
Genome position (GRCh38, 1-based): chr1:197,435,005-197,435,012, ACCTCCAG deleted; deleting any 8 consecutive bases within chr1:197,435,001-197,435,012 gives the same sequence; the c. name uses the placement nearest the transcript's 3' end. VCF-style (leftmost placement, unchanged base first): chr1-197435000-CCCAGACCT-C. GRCh37 (hg19) VCF-style: chr1-197404130-CCCAGACCT-C.
Other names: c.2806_2813del, p.Thr936fs (NM_001193640.2); c.3070_3077del, p.Thr1024fs (NM_001257965.2); c.2129-595_2129-588del (NM_001257966.2); short protein forms T1024fs, T1048fs, T936fs.
Identifiers: ClinVar variation 2007893 (VCV002007893.4), dbSNP rs2528198937, ClinGen allele CA2580061935.